The following is an entry in ClinVar:

NM_000059.4(BRCA2):c.6101G>A (p.Arg2034His)

Gene: BRCA2 (BRCA2 DNA repair associated; plus strand). Cytogenetic location: 13q13.1.
Variant type: single nucleotide variant.
Coding change: c.6101G>A on transcript NM_000059.4 (MANE Select); coding-DNA position 6101, G replaced by A.
Protein change: p.Arg2034His; replaces arginine 2034 with histidine.
Molecular consequence: missense variant.
Genome position (GRCh38, 1-based): chr13:32,340,456, G>A. VCF-style: chr13-32340456-G-A. GRCh37 (hg19) VCF-style: chr13-32914593-G-A.
Other names: 6329G>A; short protein forms R2034H.
Identifiers: ClinVar variation 52012 (VCV000052012.31), dbSNP rs80358849, ClinGen allele CA023655.
Genomic context (GRCh38, chr13:32,340,456, plus strand): 5'-TATTGTTTAAAAGTAACGAACATTCAGACCAGCTCACAAGAGAAGAAAATACTGCTATAC[G>A]TACTCCAGAACATTTAATATCCCAAAAAGGCTTTTCATATAATGTGGTAAATTCATCTGC-3'
Protein context (NP_000050.3, residues 2024-2044): QLTREENTAI[Arg2034His]TPEHLISQKG

ClinVar aggregate classification (germline): Conflicting classifications of pathogenicity. Review status: criteria provided, conflicting classifications (1 of 4 stars). 13 submissions from 12 submitters: Uncertain significance (5); Likely benign (2). 6 of the submissions do not count toward it. Last evaluated 2025-10-03.

Conditions:
Hereditary cancer-predisposing syndrome. Also called: Neoplastic Syndromes, Hereditary; Tumor predisposition; Hereditary neoplastic syndrome; Hereditary Cancer Syndrome. Identifiers: Orphanet 140162, MedGen C0027672, MeSH D009386, MONDO:0015356.
Hereditary breast ovarian cancer syndrome. Also called: Hereditary breast and ovarian cancer syndrome; Hereditary breast and ovarian cancer; Hereditary breast and ovarian cancer syndrome (HBOC); Breast and ovarian cancer; Hereditary breast and/or ovarian cancer syndrome; BRCA1- and BRCA2-Associated Hereditary Breast and Ovarian Cancer. Identifiers: Orphanet 145, MedGen C0677776, MeSH D061325, MONDO:0003582. Disease mechanism: loss of function.
Fanconi anemia complementation group D1. Also called: BRCA2-Related Fanconi Anemia. Identifiers: Orphanet 319462, MedGen C1838457, MONDO:0011584, OMIM 605724.
Breast-ovarian cancer, familial, susceptibility to, 2 (BROVCA2). Also called: BRCA2 Hereditary Breast and Ovarian Cancer. Identifiers: Orphanet 145, MedGen C2675520, MONDO:0012933, OMIM 612555. Disease mechanism: loss of function.

Allele frequency attached by ClinVar (database versions not stated): gnomAD exomes below 0.00001 and 0.00001; TOPMed below 0.00001; ExAC 0.00001.
gnomAD v4.1: 7 of 1,613,704 alleles (0.00043%); highest among the groups gnomAD compares: African/African-American, 0.0013%; no homozygotes.

Submissions (13):

Color Diagnostics, LLC DBA Color Health
Classification: Uncertain significance for Hereditary cancer-predisposing syndrome. Last evaluated: 2025-10-03. Review status: criteria provided, single submitter. Criteria: ACMG Guidelines, 2015. Collection method: clinical testing. Allele origin: germline.
Comment: This missense variant replaces arginine with histidine at codon 2034 of the BRCA2 protein. Computational prediction suggests that this variant may not impact protein structure and function. To our knowledge, functional studies have not been reported for this variant. This variant has been detected in a breast cancer case-control meta-analysis in 3/60466 cases and 1/53461 unaffected individuals (PMID: 33471991Leiden Open Variation Database DB-ID BRCA2_006460). This variant also has been reported in male breast cancer, pancreatic, prostate and colorectal cancer case-control studies in which it was detected in 2 unaffected individuals and absent in cancer cases (PMID: 30287823, 31214711, 32980694, 33309985). A multifactorial analysis has reported a combined likelihood ratio of 2.807 based on clinical data (PMID: 30415210). This variant has been identified in 7/1461486 chromosomes in the general population by the Genome Aggregation Database (gnomAD). The available evidence is insufficient to determine the role of this variant in disease conclusively. Therefore, this variant is classified as a Variant of Uncertain Significance.

Labcorp Genetics (formerly Invitae), Labcorp
Classification: Uncertain significance for Hereditary breast ovarian cancer syndrome. Last evaluated: 2025-07-30. Review status: criteria provided, single submitter. Criteria: Invitae Variant Classification Sherloc (09022015). Collection method: clinical testing. Allele origin: germline.
Comment: This sequence change replaces arginine, which is basic and polar, with histidine, which is basic and polar, at codon 2034 of the BRCA2 protein (p.Arg2034His). This variant is present in population databases (rs80358849, gnomAD 0.0009%). This missense change has been observed in individual(s) with breast cancer and/or ovarian cancer (PMID: 17333343, 28435519). ClinVar contains an entry for this variant (Variation ID: 52012). Invitae Evidence Modeling of protein sequence and biophysical properties (such as structural, functional, and spatial information, amino acid conservation, physicochemical variation, residue mobility, and thermodynamic stability) indicates that this missense variant is not expected to disrupt BRCA2 protein function with a negative predictive value of 95%. In summary, the available evidence is currently insufficient to determine the role of this variant in disease. Therefore, it has been classified as a Variant of Uncertain Significance.

GeneDx
Classification: Uncertain significance. Last evaluated: 2024-05-08. Review status: criteria provided, single submitter. Criteria: GeneDx Variant Classification Process June 2021. Collection method: clinical testing. Allele origin: germline. Affected: yes.
Comment: Not observed at significant frequency in large population cohorts (gnomAD); In silico analysis indicates that this missense variant does not alter protein structure/function; Also known as 6329G>A; This variant is associated with the following publications: (PMID: 24728327, 17333343, 28435519, 28814288, 30263132, 32531196, 30287823, 30086788, 33875706, 30415210, 36243179)

University of Washington Department of Laboratory Medicine, University of Washington
Classification: Likely benign for Hereditary cancer-predisposing syndrome. Last evaluated: 2023-03-23. Review status: criteria provided, single submitter. Criteria: Dines et al. (Genet Med. 2020). Collection method: curation. Allele origin: germline.
Comment: Missense variant in a coldspot region where missense variants are very unlikely to be pathogenic (PMID:31911673).

BRCA2 exon 11 coldspot. Reclassification based on statistical prior probability.

Ambry Genetics
Classification: Likely benign for Hereditary cancer-predisposing syndrome. Last evaluated: 2018-11-19. Review status: criteria provided, single submitter. Criteria: Ambry Variant Classification Scheme 2023. Collection method: clinical testing. Allele origin: germline.

Illumina Laboratory Services, Illumina
Classification: Uncertain significance for Fanconi anemia complementation group D1. Last evaluated: 2017-04-27. Review status: criteria provided, single submitter. Criteria: ICSL Variant Classification Criteria 13 December 2019. Collection method: clinical testing. Allele origin: germline.

Illumina Laboratory Services, Illumina
Classification: Uncertain significance for Breast-ovarian cancer, familial, susceptibility to, 2. Last evaluated: 2017-04-27. Review status: criteria provided, single submitter. Criteria: ICSL Variant Classification Criteria 13 December 2019. Collection method: clinical testing. Allele origin: germline.
Comment: This variant was observed as part of a predisposition screen in an ostensibly healthy population. A literature search was performed for the gene, cDNA change, and amino acid change (where applicable). Publications were found based on this search. However, the evidence from the literature, in combination with allele frequency data from public databases where available, was not sufficient to rule this variant in or out of causing disease. Therefore, this variant is classified as a variant of unknown significance.

Counsyl
Classification: Uncertain significance for Breast-ovarian cancer, familial, susceptibility to, 2. Last evaluated: 2015-11-24. Review status: no assertion criteria provided. Collection method: clinical testing. Allele origin: unknown. Not counted in ClinVar's aggregate classification.

ITMI
No classification provided. Condition: AllHighlyPenetrant. Last evaluated: 2013-09-19. Review status: no classification provided. Collection method: reference population. Allele origin: germline. Not counted in ClinVar's aggregate classification.
Comment: Please see associated publication for description of ethnicities

Sharing Clinical Reports Project (SCRP)
Classification: Uncertain significance for Breast-ovarian cancer, familial 2. Last evaluated: 2012-05-01. Review status: no assertion criteria provided. Collection method: clinical testing. Allele origin: germline. Not counted in ClinVar's aggregate classification.

Breast Cancer Information Core (BIC) (BRCA2)
Classification: Uncertain significance for Breast-ovarian cancer, familial 2. Last evaluated: 2004-02-20. Review status: no assertion criteria provided. Collection method: clinical testing. Allele origin: germline. Affected: yes. Observed: 2 variant alleles. Not counted in ClinVar's aggregate classification.

Diagnostic Laboratory, Department of Genetics, University Medical Center Groningen
Classification: Likely benign. Review status: no assertion criteria provided. Collection method: clinical testing. Allele origin: germline. Affected: yes. Study: VKGL Data-share Consensus. Not counted in ClinVar's aggregate classification.

Joint Genome Diagnostic Labs from Nijmegen and Maastricht, Radboudumc and MUMC+
Classification: Likely benign. Review status: no assertion criteria provided. Collection method: clinical testing. Allele origin: germline. Affected: yes. Study: VKGL Data-share Consensus. Not counted in ClinVar's aggregate classification.

Literature cited by the submitters: PubMed 30287823 (cited by Color Diagnostics, LLC DBA Color Health); PubMed 30415210 (cited by Color Diagnostics, LLC DBA Color Health); PubMed 31214711 (cited by Color Diagnostics, LLC DBA Color Health); PubMed 32980694 (cited by Color Diagnostics, LLC DBA Color Health); PubMed 33309985 (cited by Color Diagnostics, LLC DBA Color Health); PubMed 33471991 (cited by Color Diagnostics, LLC DBA Color Health); PubMed 17333343 (cited by 3 submitters); PubMed 28435519 (cited by Labcorp Genetics (formerly Invitae), Labcorp); PubMed 26183948 (cited by Illumina Laboratory Services, Illumina); PubMed 24728327 (cited by Counsyl and ITMI).